The following is an entry in ClinVar:

NM_001037333.3(CYFIP2):c.2203G>T (p.Val735Phe)

Gene: CYFIP2 (cytoplasmic FMR1 interacting protein 2; plus strand). Cytogenetic location: 5q33.3.
Variant type: single nucleotide variant.
Coding change: c.2203G>T on transcript NM_001037333.3 (MANE Select); coding-DNA position 2203, G replaced by T.
Protein change: p.Val735Phe; replaces valine 735 with phenylalanine.
Molecular consequence: missense variant.
Genome position (GRCh38, 1-based): chr5:157,330,788, G>T. VCF-style: chr5-157330788-G-T. GRCh37 (hg19) VCF-style: chr5-156757796-G-T.
Other names: c.2125G>T, p.Val709Phe (NM_001291721.2); c.2278G>T, p.Val760Phe (NM_001291722.2); c.2203G>T, p.Val735Phe (NM_014376.4); short protein forms V735F, V709F, V760F.
Identifiers: ClinVar variation 2756085 (VCV002756085.3), dbSNP rs1341378145, ClinGen allele CA361970953.

ClinVar aggregate classification (germline): Uncertain significance (1 of 4 stars; one submission).

Submission:

Labcorp Genetics (formerly Invitae), Labcorp
Classification: Uncertain significance. Last evaluated: 2023-06-02. Review status: criteria provided, single submitter. Criteria: Invitae Variant Classification Sherloc (09022015). Collection method: clinical testing. Allele origin: germline.
Comment: In summary, the available evidence is currently insufficient to determine the role of this variant in disease. Therefore, it has been classified as a Variant of Uncertain Significance. Experimental studies and prediction algorithms are not available or were not evaluated, and the functional significance of this variant is currently unknown. This variant has not been reported in the literature in individuals affected with CYFIP2-related conditions. This variant is not present in population databases (gnomAD no frequency). This sequence change replaces valine, which is neutral and non-polar, with phenylalanine, which is neutral and non-polar, at codon 735 of the CYFIP2 protein (p.Val735Phe).